The following is an entry in ClinVar:

NM_024496.4(IRF2BPL):c.345GCA[5] (p.Gln123_Gln127del)

Gene: IRF2BPL (interferon regulatory factor 2 binding protein like; minus strand). Cytogenetic location: 14q24.3.
Variant type: Microsatellite.
Coding change: c.345GCA[5] on transcript NM_024496.4 (MANE Select); five copies in a row of the 3-base unit GCA starting at c.345; the reference has ten copies in a row; five copies, 15 bases deleted.
Protein change: p.Gln123_Gln127del.
Molecular consequence: inframe deletion.
Genome position (GRCh38, 1-based): chr14:77,027,419-77,027,433, TGCTGCTGCTGCTGC deleted on the plus strand (GCAGCAGCAGCAGCA on the coding strand, the reverse complement: IRF2BPL is on the minus strand); deleting any 15 consecutive bases within chr14:77,027,419-77,027,450 gives the same sequence; the position shown is the placement nearest the transcript's 3' end. VCF-style (leftmost placement, unchanged base first): chr14-77027418-TTGCTGCTGCTGCTGC-T. GRCh37 (hg19) VCF-style: chr14-77493761-TTGCTGCTGCTGCTGC-T.
Identifiers: ClinVar variation 2644410 (VCV002644410.25), dbSNP rs200317113, ClinGen allele CA615492147.

ClinVar aggregate classification (germline): Likely benign. Review status: criteria provided, multiple submitters, no conflicts (2 of 4 stars). 2 submissions from 2 submitters: Likely benign (2). Last evaluated 2026-09-01.

Submissions (2):

CeGaT Center for Human Genetics Tuebingen
Classification: Likely benign. Last evaluated: 2026-09-01. Review status: criteria provided, single submitter. Criteria: CeGaT Center For Human Genetics Tuebingen Variant Classification Criteria Version 2. Collection method: clinical testing. Allele origin: germline. Affected: yes. Observed: 2 variant alleles.
Comment: IRF2BPL: BS2

Blueprint Genetics
Classification: Likely benign. Last evaluated: 2024-11-14. Review status: criteria provided, single submitter. Criteria: ACMG Guidelines, 2015. Collection method: clinical testing. Allele origin: germline.